The following is an entry in ClinVar:

NM_017827.4(SARS2):c.560G>A (p.Arg187Gln)

Gene: SARS2 (seryl-tRNA synthetase 2, mitochondrial; minus strand). Cytogenetic location: 19q13.2.
Variant type: single nucleotide variant.
Coding change: c.560G>A on transcript NM_017827.4 (MANE Select); coding-DNA position 560, G replaced by A.
Protein change: p.Arg187Gln; replaces arginine 187 with glutamine.
Molecular consequence: missense variant.
Genome position (GRCh38, 1-based): chr19:38,921,421, C>T on the plus strand (G>A on the coding strand, the complement: SARS2 is on the minus strand). VCF-style: chr19-38921421-C-T. GRCh37 (hg19) VCF-style: chr19-39412061-C-T.
Other names: c.566G>A, p.Arg189Gln (NM_001145901.2); short protein forms R187Q, R189Q.
Identifiers: ClinVar variation 4074525 (VCV004074525.1).

ClinVar aggregate classification (germline): Uncertain significance (1 of 4 stars; one submission).

gnomAD v4.1: 8 of 1,613,922 alleles (0.0005%); highest among the groups gnomAD compares: Middle Eastern, 0.017%; no homozygotes.

Submission:

GeneDx
Classification: Uncertain significance. Last evaluated: 2025-02-06. Review status: criteria provided, single submitter. Criteria: GeneDx Variant Classification Process June 2021. Collection method: clinical testing. Allele origin: germline. Affected: yes.
Comment: Not observed at significant frequency in large population cohorts (gnomAD); In silico analysis indicates that this missense variant does not alter protein structure/function; Has not been previously published as pathogenic or benign to our knowledge